The following is an entry in ClinVar:

NM_015443.4(KANSL1):c.1459C>G (p.Pro487Ala)

Gene: KANSL1 (KAT8 regulatory NSL complex subunit 1). Cytogenetic location: 17q21.31.
Variant type: single nucleotide variant.
Coding change: c.1459C>G on transcript NM_015443.4 (MANE Select); coding-DNA position 1459, C replaced by G.
Protein change: p.Pro487Ala; replaces proline 487 with alanine.
Molecular consequence: missense variant.
Genome position (GRCh38, 1-based): chr17:46,082,515, G>C on the plus strand (C>G on the coding strand, the complement: KANSL1 is on the minus strand). VCF-style: chr17-46082515-G-C. GRCh37 (hg19) VCF-style: chr17-44159881-G-C.
Other names: c.1459C>G, p.Pro487Ala (NM_001193465.2, NM_001193466.2, NM_001379198.1); short protein forms P487A.
Identifiers: ClinVar variation 381704 (VCV000381704.2), dbSNP rs566436667, ClinGen allele CA16607308.

ClinVar aggregate classification (germline): Conflicting classifications of pathogenicity. Review status: criteria provided, conflicting classifications (1 of 4 stars). 2 submissions from 2 submitters: Uncertain significance (1); Likely benign (1). Last evaluated 2025-12-21.

Conditions:
Koolen-de Vries syndrome (KDVS). Identifiers: Orphanet 96169, MedGen C1864871, MONDO:0012496, OMIM 610443.

Allele frequency attached by ClinVar (database versions not stated): TOPMed 0.00003; gnomAD 0.00002.
gnomAD v4.1: 4 of 1,611,680 alleles (0.00025%); highest among the groups gnomAD compares: African/African-American, 0.004%; no homozygotes.

Submissions (2):

Labcorp Genetics (formerly Invitae), Labcorp
Classification: Uncertain significance for Koolen-de Vries syndrome. Last evaluated: 2025-12-21. Review status: criteria provided, single submitter. Criteria: Invitae Variant Classification Sherloc (09022015). Collection method: clinical testing. Allele origin: germline.
Comment: This sequence change replaces proline, which is neutral and non-polar, with alanine, which is neutral and non-polar, at codon 487 of the KANSL1 protein (p.Pro487Ala). The frequency data for this variant in the population databases is considered unreliable, as metrics indicate poor data quality at this position in the gnomAD database. This variant has not been reported in the literature in individuals affected with KANSL1-related conditions. ClinVar contains an entry for this variant (Variation ID: 381704). Invitae Evidence Modeling of protein sequence and biophysical properties (such as structural, functional, and spatial information, amino acid conservation, physicochemical variation, residue mobility, and thermodynamic stability) indicates that this missense variant is not expected to disrupt KANSL1 protein function with a negative predictive value of 80%. In summary, the available evidence is currently insufficient to determine the role of this variant in disease. Therefore, it has been classified as a Variant of Uncertain Significance.

GeneDx
Classification: Likely benign. Last evaluated: 2015-11-12. Review status: criteria provided, single submitter. Criteria: GeneDx Variant Classification (06012015). Collection method: clinical testing. Allele origin: germline. Affected: yes.
Comment: This variant is considered likely benign or benign based on one or more of the following criteria: it is a conservative change, it occurs at a poorly conserved position in the protein, it is predicted to be benign by multiple in silico algorithms, and/or has population frequency not consistent with disease.